The following is an entry in ClinVar:

NM_005559.4(LAMA1):c.4829T>C (p.Met1610Thr)

Gene: LAMA1 (laminin subunit alpha 1; minus strand). Cytogenetic location: 18p11.31.
Variant type: single nucleotide variant.
Coding change: c.4829T>C on transcript NM_005559.4 (MANE Select); coding-DNA position 4829, T replaced by C.
Protein change: p.Met1610Thr; replaces methionine 1610 with threonine.
Molecular consequence: missense variant.
Genome position (GRCh38, 1-based): chr18:6,995,424, A>G on the plus strand (T>C on the coding strand, the complement: LAMA1 is on the minus strand). VCF-style: chr18-6995424-A-G. GRCh37 (hg19) VCF-style: chr18-6995423-A-G.
Other names: short protein forms M1610T.
Identifiers: ClinVar variation 4823408 (VCV004823408.4).

ClinVar aggregate classification (germline): Uncertain significance (1 of 4 stars; one submission).

Submission:

CeGaT Center for Human Genetics Tuebingen
Classification: Uncertain significance. Last evaluated: 2026-02-01. Review status: criteria provided, single submitter. Criteria: CeGaT Center For Human Genetics Tuebingen Variant Classification Criteria Version 2. Collection method: clinical testing. Allele origin: germline. Affected: yes. Observed: 1 variant allele.
Comment: LAMA1: PM2, BP4